The following is an entry in ClinVar:

ClinVar aggregate classification (germline): Uncertain significance (1 of 4 stars; one submission).

gnomAD v4.1: 6 of 1,614,172 alleles (0.00037%); highest among the groups gnomAD compares: Non-Finnish European, 0.00051%; no homozygotes.

Submission:

Labcorp Genetics (formerly Invitae), Labcorp
Classification: Uncertain significance. Last evaluated: 2025-08-24. Review status: criteria provided, single submitter. Criteria: Invitae Variant Classification Sherloc (09022015). Collection method: clinical testing. Allele origin: germline.
Comment: This sequence change replaces serine, which is neutral and polar, with asparagine, which is neutral and polar, at codon 56 of the DLST protein (p.Ser56Asn). This variant is not present in population databases (gnomAD no frequency). This variant has not been reported in the literature in individuals affected with DLST-related conditions. An algorithm developed to predict the effect of missense changes on protein structure and function outputs the following: PolyPhen-2: "Not Available". The asparagine amino acid residue is found in multiple mammalian species, which suggests that this missense change does not adversely affect protein function. Algorithms developed to predict the effect of sequence changes on RNA splicing suggest that this variant may disrupt the consensus splice site. In summary, the available evidence is currently insufficient to determine the role of this variant in disease. Therefore, it has been classified as a Variant of Uncertain Significance.

NM_001933.5(DLST):c.167G>A (p.Ser56Asn)

Gene: DLST (dihydrolipoamide S-succinyltransferase; plus strand). Cytogenetic location: 14q24.3.
Variant type: single nucleotide variant.
Coding change: c.167G>A on transcript NM_001933.5 (MANE Select); coding-DNA position 167, G replaced by A.
Protein change: p.Ser56Asn; replaces serine 56 with asparagine.
Molecular consequence: missense variant. On other transcripts: non-coding transcript variant (2).
Genome position (GRCh38, 1-based): chr14:74,889,115, G>A. VCF-style: chr14-74889115-G-A. GRCh37 (hg19) VCF-style: chr14-75355818-G-A.
Other names: c.167G>A, p.Ser56Asn (NM_001244883.2); short protein forms S56N.
Identifiers: ClinVar variation 4798661 (VCV004798661.1).